The following is an entry in ClinVar:

ClinVar aggregate classification (germline): Uncertain significance. Review status: criteria provided, multiple submitters, no conflicts (2 of 4 stars). 2 submissions from 2 submitters: Uncertain significance (2). Last evaluated 2022-01-06.

Conditions:
Epidermolysis bullosa simplex 3, localized or generalized intermediate, with BP230 deficiency (EBS3). Also called: Epidermolysis bullosa simplex, autosomal recessive 2; Epidermolysis bullosa simplex due to BP230 deficiency. Identifiers: Orphanet 412181, MedGen C3809470, MONDO:0014180, OMIM 615425.
Hereditary sensory and autonomic neuropathy type 6. Also called: HSAN VI; Neuropathy, hereditary sensory and autonomic, type VI. Identifiers: Orphanet 314381, MedGen C3539003, MONDO:0013839, OMIM 614653.

Allele frequency attached by ClinVar (database versions not stated): TOPMed below 0.00001; gnomAD 0.00001; gnomAD exomes 0.00001 and 0.00003; ExAC 0.00002.
gnomAD v4.1: 38 of 1,613,976 alleles (0.0024%); highest among the groups gnomAD compares: Middle Eastern, 0.049%; no homozygotes.

Submissions (2):

Labcorp Genetics (formerly Invitae), Labcorp
Classification: Uncertain significance for Epidermolysis bullosa simplex 3, localized or generalized intermediate, with BP230 deficiency; Hereditary sensory and autonomic neuropathy type 6. Last evaluated: 2022-01-06. Review status: criteria provided, single submitter. Criteria: Invitae Variant Classification Sherloc (09022015). Collection method: clinical testing. Allele origin: germline.
Comment: This sequence change replaces proline, which is neutral and non-polar, with threonine, which is neutral and polar, at codon 2637 of the DST protein (p.Pro2637Thr). This variant is present in population databases (rs763986013, gnomAD 0.003%). This variant has not been reported in the literature in individuals affected with DST-related conditions. ClinVar contains an entry for this variant (Variation ID: 357542). Algorithms developed to predict the effect of missense changes on protein structure and function (SIFT, PolyPhen-2, Align-GVGD) all suggest that this variant is likely to be disruptive. In summary, the available evidence is currently insufficient to determine the role of this variant in disease. Therefore, it has been classified as a Variant of Uncertain Significance.

Breakthrough Genomics
Classification: Uncertain significance. Review status: criteria provided, single submitter. Criteria: ACMG Guidelines, 2015. Collection method: not provided. Allele origin: germline. Inheritance: Autosomal recessive inheritance. Affected: yes.

NM_001723.7(DST):c.7909C>A (p.Pro2637Thr)

Gene: DST (dystonin; minus strand). Cytogenetic location: 6p12.1.
Variant type: single nucleotide variant.
Coding change: c.7909C>A on transcript NM_001723.7 (MANE Plus Clinical); coding-DNA position 7909, C replaced by A.
Protein change: p.Pro2637Thr; replaces proline 2637 with threonine.
Molecular consequence: missense variant. On other transcripts: intron variant (10).
Genome position (GRCh38, 1-based): chr6:56,615,558, G>T on the plus strand (C>A on the coding strand, the complement: DST is on the minus strand). VCF-style: chr6-56615558-G-T. GRCh37 (hg19) VCF-style: chr6-56480356-G-T.
Other names: c.4831-1074C>A (NM_001144769.5); c.4930-1074C>A (NM_001374722.1, NM_001374736.1); c.4957-1074C>A (NM_001374734.1); c.4417-1074C>A (NM_001144770.2); c.4297-1074C>A (NM_001374730.1, NM_001386100.1, NM_183380.4 and 1 more transcripts); c.3319-1074C>A (NM_015548.5); short protein forms P2637T.
Identifiers: ClinVar variation 357542 (VCV000357542.7), dbSNP rs763986013, ClinGen allele CA3869876.